The following is an entry in ClinVar:

ClinVar aggregate classification (germline): Benign. Review status: criteria provided, multiple submitters, no conflicts (2 of 4 stars). 4 submissions from 4 submitters: Benign (4). Last evaluated 2024-11-27.

Conditions:
Leukoencephalopathy-thalamus and brainstem anomalies-high lactate syndrome. Also called: LEUKOENCEPHALOPATHY WITH THALAMUS AND BRAINSTEM INVOLVEMENT AND HIGH LACTATE; Combined oxidative phosphorylation deficiency 12. Identifiers: Orphanet 314051, MedGen C4706421, MONDO:0013971, OMIM 614924.

Allele frequency attached by ClinVar (database versions not stated): 1000 Genomes Project 0.80212; 1000 Genomes Project 30x 0.80543; gnomAD exomes 0.82977 and 0.84363; ExAC 0.83035; gnomAD 0.83565 and 0.83903; TOPMed 0.84295; ESP Exome Variant Server 0.85007.
gnomAD v4.1: 1,357,391 of 1,610,728 alleles (84%); highest among the groups gnomAD compares: Middle Eastern, 88%; 573,357 homozygotes.

Submissions (4):

Blueprint Genetics
Classification: Benign. Last evaluated: 2024-11-27. Review status: criteria provided, single submitter. Criteria: ACMG Guidelines, 2015. Collection method: clinical testing. Allele origin: germline.

Genome-Nilou Lab
Classification: Benign for Leukoencephalopathy-thalamus and brainstem anomalies-high lactate syndrome. Last evaluated: 2021-07-30. Review status: criteria provided, single submitter. Criteria: ACMG Guidelines, 2015. Collection method: clinical testing. Allele origin: germline. Affected: no.

Illumina Laboratory Services, Illumina
Classification: Benign for Leukoencephalopathy-thalamus and brainstem anomalies-high lactate syndrome. Last evaluated: 2018-01-12. Review status: criteria provided, single submitter. Criteria: ICSL Variant Classification Criteria 13 December 2019. Collection method: clinical testing. Allele origin: germline.
Comment: This variant was observed in the ICSL laboratory as part of a predisposition screen in an ostensibly healthy population. It had not been previously curated by ICSL or reported in the Human Gene Mutation Database (HGMD: prior to June 1st, 2018), and was therefore a candidate for classification through an automated scoring system. Utilizing variant allele frequency, disease prevalence and penetrance estimates, and inheritance mode, an automated score was calculated to assess if this variant is too frequent to cause the disease. Based on the score and internal cut-off values, a variant classified as benign is not then subjected to further curation. The score for this variant resulted in a classification of benign for this disease.

Breakthrough Genomics
Classification: Benign. Review status: criteria provided, single submitter. Criteria: ACMG Guidelines, 2015. Collection method: not provided. Allele origin: germline. Inheritance: Autosomal recessive inheritance. Affected: yes.

NM_001083614.2(EARS2):c.*12T>G

Genes: EARS2 (glutamyl-tRNA synthetase 2, mitochondrial; minus strand), GGA2 (golgi associated, gamma adaptin ear containing, ARF binding protein 2; minus strand). Cytogenetic location: 16p12.2.
Variant type: single nucleotide variant.
Coding change: c.*12T>G on transcript NM_001083614.2 (MANE Select); 12 bases downstream of the stop codon, T replaced by G.
Molecular consequence: 3 prime UTR variant. On other transcripts: non-coding transcript variant (1).
Genome position (GRCh38, 1-based): chr16:23,524,359, A>C on the plus strand (T>G on the coding strand, the complement: EARS2 is on the minus strand). VCF-style: chr16-23524359-A-C. GRCh37 (hg19) VCF-style: chr16-23535680-A-C.
Identifiers: ClinVar variation 318539 (VCV000318539.10), dbSNP rs1468138, ClinGen allele CA7962243.